The following is an entry in ClinVar:

ClinVar aggregate classification (germline): Uncertain significance (1 of 4 stars; one submission).

Conditions:
CHARGE syndrome (CHARGE). Also called: Hittner Hirsch Kreh syndrome; CHARGE ASSOCIATION--COLOBOMA, HEART ANOMALY, CHOANAL ATRESIA, RETARDATION, GENITAL AND EAR ANOMALIES; Coloboma, heart anomaly, choanal atresia, retardation, genital and ear anomalies; CHARGE association; Hall-Hittner syndrome. Identifiers: Orphanet 138, MedGen C0265354, MONDO:0008965.

Allele frequency attached by ClinVar (database versions not stated): gnomAD 0.00001; TOPMed 0.00001.
gnomAD v4.1: 1 of 1,613,718 alleles (0.000062%); highest among the groups gnomAD compares: Admixed American, 0.0017%; no homozygotes.

Submission:

Labcorp Genetics (formerly Invitae), Labcorp
Classification: Uncertain significance for CHARGE syndrome. Last evaluated: 2023-04-29. Review status: criteria provided, single submitter. Criteria: Invitae Variant Classification Sherloc (09022015). Collection method: clinical testing. Allele origin: germline.
Comment: In summary, the available evidence is currently insufficient to determine the role of this variant in disease. Therefore, it has been classified as a Variant of Uncertain Significance. Advanced modeling of protein sequence and biophysical properties (such as structural, functional, and spatial information, amino acid conservation, physicochemical variation, residue mobility, and thermodynamic stability) performed at Invitae indicates that this missense variant is not expected to disrupt CHD7 protein function. ClinVar contains an entry for this variant (Variation ID: 2118690). This variant has not been reported in the literature in individuals affected with CHD7-related conditions. This variant is not present in population databases (gnomAD no frequency). This sequence change replaces methionine, which is neutral and non-polar, with leucine, which is neutral and non-polar, at codon 464 of the CHD7 protein (p.Met464Leu).

NM_017780.4(CHD7):c.1390A>T (p.Met464Leu)

Gene: CHD7 (chromodomain helicase DNA binding protein 7; plus strand). Cytogenetic location: 8q12.2.
Variant type: single nucleotide variant.
Coding change: c.1390A>T on transcript NM_017780.4 (MANE Select); coding-DNA position 1390, A replaced by T.
Protein change: p.Met464Leu; replaces methionine 464 with leucine.
Molecular consequence: missense variant.
Genome position (GRCh38, 1-based): chr8:60,742,822, A>T. VCF-style: chr8-60742822-A-T. GRCh37 (hg19) VCF-style: chr8-61655381-A-T.
Other names: c.1390A>T, p.Met464Leu (NM_001316690.1); short protein forms M464L.
Identifiers: ClinVar variation 2118690 (VCV002118690.4), dbSNP rs1316655280, ClinGen allele CA371302673.